The following is an entry in ClinVar:

ClinVar aggregate classification (germline): Uncertain significance (1 of 4 stars; one submission).

Conditions:
Early-infantile DEE. Also called: Early infantile epileptic encephalopathy; Ohtahara syndrome; Early infantile epileptic encephalopathy with suppression bursts. Identifiers: Orphanet 1934, MedGen C0393706, MONDO:0800491.

Submission:

Labcorp Genetics (formerly Invitae), Labcorp
Classification: Uncertain significance for Early-infantile DEE. Last evaluated: 2023-08-24. Review status: criteria provided, single submitter. Criteria: Invitae Variant Classification Sherloc (09022015). Collection method: clinical testing. Allele origin: germline.
Comment: In summary, the available evidence is currently insufficient to determine the role of this variant in disease. Therefore, it has been classified as a Variant of Uncertain Significance. Advanced modeling of protein sequence and biophysical properties (such as structural, functional, and spatial information, amino acid conservation, physicochemical variation, residue mobility, and thermodynamic stability) performed at Invitae indicates that this missense variant is not expected to disrupt GNAO1 protein function. ClinVar contains an entry for this variant (Variation ID: 661513). This variant has not been reported in the literature in individuals affected with GNAO1-related conditions. This variant is not present in population databases (gnomAD no frequency). This sequence change replaces glutamic acid, which is acidic and polar, with aspartic acid, which is acidic and polar, at codon 118 of the GNAO1 protein (p.Glu118Asp).

NM_020988.3(GNAO1):c.354G>C (p.Glu118Asp)

Gene: GNAO1 (G protein subunit alpha o1; plus strand). Cytogenetic location: 16q13.
Variant type: single nucleotide variant.
Coding change: c.354G>C on transcript NM_020988.3 (MANE Select); coding-DNA position 354, G replaced by C.
Protein change: p.Glu118Asp; replaces glutamic acid 118 with aspartic acid.
Molecular consequence: missense variant.
Genome position (GRCh38, 1-based): chr16:56,328,681, G>C. VCF-style: chr16-56328681-G-C. GRCh37 (hg19) VCF-style: chr16-56362593-G-C.
Other names: c.354G>C, p.Glu118Asp (NM_138736.3); short protein forms E118D.
Identifiers: ClinVar variation 661513 (VCV000661513.9), dbSNP rs1567485534, ClinGen allele CA395949967.